The following is an entry in ClinVar:

NM_001106.4(ACVR2B):c.*8512A>C

Gene: ACVR2B (activin A receptor type 2B; plus strand). Cytogenetic location: 3p22.2.
Variant type: single nucleotide variant.
Coding change: c.*8512A>C on transcript NM_001106.4 (MANE Select); 8512 bases downstream of the stop codon, A replaced by C.
Molecular consequence: 3 prime UTR variant.
Genome position (GRCh38, 1-based): chr3:38,491,844, A>C. VCF-style: chr3-38491844-A-C. GRCh37 (hg19) VCF-style: chr3-38533335-A-C.
Identifiers: ClinVar variation 345032 (VCV000345032.6), dbSNP rs13072731, ClinGen allele CA10615768.
Genomic context (GRCh38, chr3:38,491,844, plus strand): 5'-CTGTAAAAATGCAGAGAAAGTTGAGTGGTACTTCAGAATTGAGGGAGAGGGTTACCGCAG[A>C]GTAGAAATATATTTCTAGATTTCAGTTCCACACCACAAATCCACAACAATGCCATTTTTC-3'

ClinVar aggregate classification (germline): Benign. Review status: criteria provided, multiple submitters, no conflicts (2 of 4 stars). 2 submissions from 2 submitters: Benign (2). Last evaluated 2018-01-13.

Conditions:
Heterotaxy, visceral, 4, autosomal (HTX4). Identifiers: Orphanet 450, MedGen C3151057, MONDO:0013403, OMIM 613751.

Allele frequency attached by ClinVar (database versions not stated): 1000 Genomes Project 0.44728; TOPMed 0.47009; gnomAD 0.48169 and 0.48789; gnomAD exomes 0.50000; 1000 Genomes Project 30x 0.44082.
gnomAD v4.1: 74,187 of 152,012 alleles (49%); highest among the groups gnomAD compares: Non-Finnish European, 62%; 20,256 homozygotes.

Submissions (2):

Illumina Laboratory Services, Illumina
Classification: Benign for Heterotaxy, visceral, 4, autosomal. Last evaluated: 2018-01-13. Review status: criteria provided, single submitter. Criteria: ICSL Variant Classification Criteria 13 December 2019. Collection method: clinical testing. Allele origin: germline.
Comment: This variant was observed in the ICSL laboratory as part of a predisposition screen in an ostensibly healthy population. It had not been previously curated by ICSL or reported in the Human Gene Mutation Database (HGMD: prior to June 1st, 2018), and was therefore a candidate for classification through an automated scoring system. Utilizing variant allele frequency, disease prevalence and penetrance estimates, and inheritance mode, an automated score was calculated to assess if this variant is too frequent to cause the disease. Based on the score and internal cut-off values, a variant classified as benign is not then subjected to further curation. The score for this variant resulted in a classification of benign for this disease.

Breakthrough Genomics
Classification: Benign. Review status: criteria provided, single submitter. Criteria: ACMG Guidelines, 2015. Collection method: not provided. Allele origin: germline. Inheritance: Unknown mechanism. Affected: yes.